The following is an entry in ClinVar:

NM_177986.5(DSG4):c.236C>T (p.Ser79Leu)

Genes: DSG1-AS1 (DSG1 antisense RNA 1; minus strand), DSG4 (desmoglein 4; plus strand). Cytogenetic location: 18q12.1.
Variant type: single nucleotide variant.
Coding change: c.236C>T on transcript NM_177986.5 (MANE Select); coding-DNA position 236, C replaced by T.
Protein change: p.Ser79Leu; replaces serine 79 with leucine.
Molecular consequence: missense variant.
Genome position (GRCh38, 1-based): chr18:31,388,386, C>T. VCF-style: chr18-31388386-C-T. GRCh37 (hg19) VCF-style: chr18-28968349-C-T.
Other names: c.236C>T, p.Ser79Leu (NM_001134453.3); short protein forms S79L.
Identifiers: ClinVar variation 779466 (VCV000779466.14), dbSNP rs36040686, ClinGen allele CA8926660.

ClinVar aggregate classification (germline): Conflicting classifications of pathogenicity. Review status: criteria provided, conflicting classifications (1 of 4 stars). 3 submissions from 3 submitters: Uncertain significance (1); Benign (1). 1 of the submissions does not count toward it. Last evaluated 2026-02-04.

Conditions:
DSG4-related disorder. Also called: DSG4-related condition.
Hypotrichosis 6 (HYPT6). Also called: HYPOTRICHOSIS, LOCALIZED, AUTOSOMAL RECESSIVE 1; MONILETHRIX-LIKE HYPOTRICHOSIS. Identifiers: Orphanet 55654, MedGen C1842839, MONDO:0011932, OMIM 607903.

Allele frequency attached by ClinVar (database versions not stated): gnomAD 0.00357 and 0.00377; TOPMed 0.00420; ExAC 0.00422; 1000 Genomes Project 0.00439; gnomAD exomes 0.00446; 1000 Genomes Project 30x 0.00468; ESP Exome Variant Server 0.00484.
gnomAD v4.1: 5,218 of 1,613,198 alleles (0.32%); highest among the groups gnomAD compares: Middle Eastern, 2%; 49 homozygotes.

Submissions (3):

Labcorp Genetics (formerly Invitae), Labcorp
Classification: Benign. Last evaluated: 2026-02-04. Review status: criteria provided, single submitter. Criteria: Invitae Variant Classification Sherloc (09022015). Collection method: clinical testing. Allele origin: germline.

Illumina Laboratory Services, Illumina
Classification: Uncertain significance for Hypotrichosis 6. Last evaluated: 2017-04-27. Review status: criteria provided, single submitter. Criteria: ICSL Variant Classification Criteria 13 December 2019. Collection method: clinical testing. Allele origin: germline.

PreventionGenetics, part of Exact Sciences
Classification: Benign for DSG4-related condition. Last evaluated: 2019-05-08. Review status: no assertion criteria provided. Collection method: clinical testing. Allele origin: germline. Not counted in ClinVar's aggregate classification.
Comment: This variant is classified as benign based on ACMG/AMP sequence variant interpretation guidelines (Richards et al. 2015 PMID: 25741868, with internal and published modifications).